The following is an entry in ClinVar:

NM_002693.3(POLG):c.1864T>C (p.Tyr622His)

Gene: POLG (DNA polymerase gamma, catalytic subunit; minus strand). Cytogenetic location: 15q26.1.
Variant type: single nucleotide variant.
Coding change: c.1864T>C on transcript NM_002693.3 (MANE Select); coding-DNA position 1864, T replaced by C.
Protein change: p.Tyr622His; replaces tyrosine 622 with histidine.
Molecular consequence: missense variant.
Genome position (GRCh38, 1-based): chr15:89,325,535, A>G on the plus strand (T>C on the coding strand, the complement: POLG is on the minus strand). VCF-style: chr15-89325535-A-G. GRCh37 (hg19) VCF-style: chr15-89868766-A-G.
Other names: c.1864T>C, p.Tyr622His (NM_001126131.2); short protein forms Y622H.
Identifiers: ClinVar variation 5037260 (VCV005037260.1).

ClinVar aggregate classification (germline): Uncertain significance (1 of 4 stars; one submission).

Submission:

GeneDx
Classification: Uncertain significance. Last evaluated: 2026-04-15. Review status: criteria provided, single submitter. Criteria: GeneDx Variant Classification Process June 2021. Collection method: clinical testing. Allele origin: germline.
Comment: Observed with a second missense variant in POLG in an individual with sensory ataxia neuropathy, dysarthria, and ophthalmoplegia in published literature (PMID: 39118480); Not observed at significant frequency in large population cohorts (gnomAD); In silico analysis supports that this missense variant has a deleterious effect on protein structure/function; This variant is associated with the following publications: (PMID: 39118480)